The following is an entry in ClinVar:

NM_015166.4(MLC1):c.734C>G (p.Ala245Gly)

Gene: MLC1 (modulator of VRAC current 1; minus strand). Cytogenetic location: 22q13.33.
Variant type: single nucleotide variant.
Coding change: c.734C>G on transcript NM_015166.4 (MANE Select); coding-DNA position 734, C replaced by G.
Protein change: p.Ala245Gly; replaces alanine 245 with glycine.
Molecular consequence: missense variant. On other transcripts: non-coding transcript variant (3), intron variant (1).
Genome position (GRCh38, 1-based): chr22:50,070,564, G>C on the plus strand (C>G on the coding strand, the complement: MLC1 is on the minus strand). VCF-style: chr22-50070564-G-C. GRCh37 (hg19) VCF-style: chr22-50508993-G-C.
Other names: c.734C>G, p.Ala245Gly (NM_001376472.1, NM_001376473.1, NM_001376474.1 and 5 more transcripts); c.644C>G, p.Ala215Gly (NM_001376480.1); c.632C>G, p.Ala211Gly (NM_001376481.1); c.578C>G, p.Ala193Gly (NM_001376482.1, NM_001376483.1); c.497C>G, p.Ala166Gly (NM_001376484.1); c.715-2009C>G (NM_001376479.1); short protein forms A211G, A245G, A193G, A215G, A166G.
Identifiers: ClinVar variation 2160758 (VCV002160758.4), dbSNP rs1280709060, ClinGen allele CA412108250.

ClinVar aggregate classification (germline): Uncertain significance (1 of 4 stars; one submission).

gnomAD v4.1: 1 of 1,565,328 alleles (0.000064%); highest among the groups gnomAD compares: Admixed American, 0.0019%; no homozygotes.

Submission:

Labcorp Genetics (formerly Invitae), Labcorp
Classification: Uncertain significance. Last evaluated: 2022-12-06. Review status: criteria provided, single submitter. Criteria: Invitae Variant Classification Sherloc (09022015). Collection method: clinical testing. Allele origin: germline.
Comment: In summary, the available evidence is currently insufficient to determine the role of this variant in disease. Therefore, it has been classified as a Variant of Uncertain Significance. Advanced modeling of protein sequence and biophysical properties (such as structural, functional, and spatial information, amino acid conservation, physicochemical variation, residue mobility, and thermodynamic stability) performed at Invitae indicates that this missense variant is not expected to disrupt MLC1 protein function. This variant has not been reported in the literature in individuals affected with MLC1-related conditions. This variant is not present in population databases (gnomAD no frequency). This sequence change replaces alanine, which is neutral and non-polar, with glycine, which is neutral and non-polar, at codon 245 of the MLC1 protein (p.Ala245Gly).